The following is an entry in ClinVar:

ClinVar aggregate classification (germline): Pathogenic. Review status: criteria provided, multiple submitters, no conflicts (2 of 4 stars). 5 submissions from 5 submitters: Pathogenic (4). 1 of the submissions does not count toward it. Last evaluated 2025-07-14.

Conditions:
CFTR-related disorder (CFTR-RD). Also called: CFTR-related disorders; CFTR-related condition. Identifiers: MedGen C5924204, MONDO:7770004.
Cystic fibrosis (CF). Also called: MUCOVISCIDOSIS. Identifiers: Orphanet 586, MedGen C0010674, MONDO:0009061, OMIM 219700. Disease mechanism: loss of function.

Submissions (5):

Natera, Inc.
Classification: Pathogenic for CFTR-related disorders. Last evaluated: 2025-07-14. Review status: criteria provided, single submitter. Criteria: Natera Variant Classification Schema (03/2026). Collection method: clinical testing. Allele origin: germline.
Comment: The c.303dupA variant in CFTR is a frameshift variant predicted to shift the reading frame beginning at codon 102 and leads to a stop codon 9 codons downstream. This variant is expected to result in nonsense mediated decay, truncation, or a dysfunctional protein product. This variant is rare in the general population with a frequency below the threshold expected for the associated phenotype(s). This variant has been observed in one or more individuals affected with the associated recessive disease, as either homozygous or compound heterozygous with a second variant (PMID: 1284889). Additionally, this variant has been observed to segregate in affected family members (PMID: 1284889). Given the available evidence, this variant is classified as Pathogenic.

Labcorp Genetics (formerly Invitae), Labcorp
Classification: Pathogenic for Cystic fibrosis. Last evaluated: 2022-11-10. Review status: criteria provided, single submitter. Criteria: Invitae Variant Classification Sherloc (09022015). Collection method: clinical testing. Allele origin: germline.
Comment: For these reasons, this variant has been classified as Pathogenic. ClinVar contains an entry for this variant (Variation ID: 53637). This sequence change creates a premature translational stop signal (p.Leu102Thrfs*9) in the CFTR gene. It is expected to result in an absent or disrupted protein product. Loss-of-function variants in CFTR are known to be pathogenic (PMID: 1695717, 7691345, 9725922). This variant is not present in population databases (gnomAD no frequency). This premature translational stop signal has been observed in individual(s) with cystic fibrosis (PMID: 1284889). This variant is also known as 425insA.

Institute of Human Genetics, University of Leipzig Medical Center
Classification: Pathogenic for Cystic fibrosis. Last evaluated: 2022-09-05. Review status: criteria provided, single submitter. Criteria: ACMG Guidelines, 2015. Collection method: curation. Allele origin: unknown. Affected: yes. Observed: 2 variant alleles.
Comment: This variant was identified in 2 unrelated patients with a clinically confirmed diagnosis of cystic fibrosis. The variant was classified in the context of a project re-classifying variants in the German Cystic Fibrosis Registry (Muko.e.V.). Criteria applied: PVS1, PM2_SUP, PM3

Women's Health and Genetics/Laboratory Corporation of America, LabCorp
Classification: Pathogenic. Last evaluated: 2018-02-05. Review status: criteria provided, single submitter. Criteria: LabCorp Variant Classification Summary - May 2015. Collection method: clinical testing. Allele origin: germline.
Comment: Variant summary: CFTR c.303dupA (p.Leu102ThrfsX9) results in a premature termination codon, predicted to cause a truncation of the encoded protein or absence of the protein due to nonsense mediated decay, which are commonly known mechanisms for disease. Truncations downstream of this position have been classified as pathogenic by our laboratory (eg. c.803delA/ p.Asn268fsX17, c.825C>G/ p.Tyr275X, c.828C>A/ p.Cys276X, etc). The variant allele was found at a frequency of 4e-06 in 247162 control chromosomes. The c.303dupA variant has been reported in the literature in individuals affected with Cystic Fibrosis. These data indicate that the variant is likely to be associated with disease. To our knowledge, no experimental evidence demonstrating an impact on protein function has been reported. No clinical diagnostic laboratories have submitted clinical-significance assessments for this variant to ClinVar. Based on the evidence outlined above, the variant was classified as pathogenic.

ClinVar Staff, National Center for Biotechnology Information (NCBI)
No classification provided. Condition: CFTR-related disorders. Review status: no classification provided. Collection method: literature only. Allele origin: germline. Affected: yes. Not counted in ClinVar's aggregate classification.

Literature cited by the submitters: PubMed 1284889 (cited by 4 submitters); PubMed 1695717 (cited by Labcorp Genetics (formerly Invitae), Labcorp); PubMed 7691345 (cited by Labcorp Genetics (formerly Invitae), Labcorp); PubMed 9725922 (cited by Labcorp Genetics (formerly Invitae), Labcorp); PubMed 7525963 (cited by Women's Health and Genetics/Laboratory Corporation of America, LabCorp); PubMed 9067754 (cited by Women's Health and Genetics/Laboratory Corporation of America, LabCorp); PubMed 8956039 (cited by Women's Health and Genetics/Laboratory Corporation of America, LabCorp); PubMed 19372188 (cited by Women's Health and Genetics/Laboratory Corporation of America, LabCorp); PubMed 21917531 (cited by Women's Health and Genetics/Laboratory Corporation of America, LabCorp); PubMed 8844213 (cited by Women's Health and Genetics/Laboratory Corporation of America, LabCorp); PubMed 26574590 (cited by Women's Health and Genetics/Laboratory Corporation of America, LabCorp).

NM_000492.4(CFTR):c.303dup (p.Leu102fs)

Gene: CFTR (CF transmembrane conductance regulator; plus strand). Cytogenetic location: 7q31.2.
Variant type: Duplication.
Coding change: c.303dup on transcript NM_000492.4 (MANE Select); coding-DNA position 303, one base duplicated (A; older notation c.303dupA).
Protein change: p.Leu102fs; shifts the reading frame from leucine 102.
Molecular consequence: frameshift variant.
Genome position (GRCh38, 1-based): chr7:117,530,928, A duplicated. VCF-style (leftmost placement, unchanged base first): chr7-117530927-T-TA. GRCh37 (hg19) VCF-style: chr7-117170981-T-TA.
Other names: 435insA; c.303_304insA (NM_000492.3); c.303dupA (NM_000492.3); short protein forms L102fs.
Identifiers: ClinVar variation 53637 (VCV000053637.8), dbSNP rs397508486, ClinGen allele CA327025.
Genomic context (GRCh38, chr7:117,530,927, plus strand): 5'-AATTTAATTTCTCTGTTTTTCCCCTTTTGTAGGAAGTCACCAAAGCAGTACAGCCTCTCT[T>TA]ACTGGGAAGAATCATAGCTTCCTATGACCCGGATAACAAGGAGGAACGCTCTATCGCGAT-3'